The following is an entry in ClinVar:

NM_001042492.3(NF1):c.715C>T (p.Gln239Ter)

Gene: NF1 (neurofibromin 1; plus strand). Cytogenetic location: 17q11.2.
Variant type: single nucleotide variant.
Coding change: c.715C>T on transcript NM_001042492.3 (MANE Select); coding-DNA position 715, C replaced by T.
Protein change: p.Gln239Ter; replaces glutamine 239 with a stop codon.
Molecular consequence: nonsense.
Genome position (GRCh38, 1-based): chr17:31,181,770, C>T. VCF-style: chr17-31181770-C-T. GRCh37 (hg19) VCF-style: chr17-29508788-C-T.
Other names: c.715C>T, p.Gln239Ter (NM_000267.4, NM_001128147.3); short protein forms Q239*.
Identifiers: ClinVar variation 658113 (VCV000658113.7), dbSNP rs1597658676, ClinGen allele CA398990141.
Genomic context (GRCh38, chr17:31,181,770, plus strand): 5'-GCATTTTGGAACTGGGTAGAAAATTATCCAGATGAATTTACAAAACTGTACCAGATCCCA[C>T]AGACTGATATGGCTGGTAAGGATACGATTGATTTTTTTTTTTTTTTTGTCTTTTAAATGC-3'

ClinVar aggregate classification (germline): Pathogenic (1 of 4 stars; one submission).

Conditions:
Neurofibromatosis, type 1 (NF1). Also called: VON RECKLINGHAUSEN DISEASE; NEUROFIBROMATOSIS, TYPE I, SOMATIC; Peripheral type neurofibromatosis; Neurofibromatosis, type I. Identifiers: Orphanet 636, MedGen C0027831, MONDO:0018975, OMIM 162200. Disease mechanism: loss of function.

Submission:

Labcorp Genetics (formerly Invitae), Labcorp
Classification: Pathogenic for Neurofibromatosis, type 1. Last evaluated: 2022-06-02. Review status: criteria provided, single submitter. Criteria: Invitae Variant Classification Sherloc (09022015). Collection method: clinical testing. Allele origin: germline.
Comment: For these reasons, this variant has been classified as Pathogenic. ClinVar contains an entry for this variant (Variation ID: 658113). This premature translational stop signal has been observed in individual(s) with neurofibromatosis type 1 (NF1) and clinical features of NF1 (PMID: 8957181; Invitae). In at least one individual the variant was observed to be de novo. This variant is not present in population databases (gnomAD no frequency). This sequence change creates a premature translational stop signal (p.Gln239*) in the NF1 gene. It is expected to result in an absent or disrupted protein product. Loss-of-function variants in NF1 are known to be pathogenic (PMID: 10712197, 23913538).

Literature cited by the submitters: PubMed 8957181; PubMed 10712197; PubMed 23913538.